The following is an entry in ClinVar:

NM_001868.4(CPA1):c.115_123dup (p.Glu41_Leu42insValLysGlu)

Gene: CPA1 (carboxypeptidase A1; plus strand). Cytogenetic location: 7q32.2.
Variant type: Duplication.
Coding change: c.115_123dup on transcript NM_001868.4 (MANE Select); coding-DNA positions 115 to 123, 9 bases duplicated (GTGAAGGAG; older notation c.115_123dupGTGAAGGAG).
Protein change: p.Glu41_Leu42insValLysGlu.
Molecular consequence: inframe insertion.
Genome position (GRCh38, 1-based): chr7:130,381,147-130,381,155, GTGAAGGAG duplicated; duplicating any 9 consecutive bases within chr7:130,381,145-130,381,155 gives the same sequence; the c. name uses the placement nearest the transcript's 3' end. VCF-style (leftmost placement, unchanged base first): chr7-130381144-A-AAGGTGAAGG. GRCh37 (hg19) VCF-style: chr7-130020985-A-AAGGTGAAGG.
Identifiers: ClinVar variation 2109128 (VCV002109128.4), dbSNP rs2536003733, ClinGen allele CA2580076656.
Genomic context (GRCh38, chr7:130,381,144, plus strand): 5'-CCCACTCTGCCCAGGCATCAGGTGCTCCGAATCTCTGTAGCCGATGAGGCCCAGGTACAG[A>AAGGTGAAGG]AGGTGAAGGAGCTGGAGGACCTGGAGCACCTGCAGGTCAGAAGAGGGGAGAAGGGCTCTC-3'

ClinVar aggregate classification (germline): Uncertain significance (1 of 4 stars; one submission).

Submission:

Labcorp Genetics (formerly Invitae), Labcorp
Classification: Uncertain significance. Last evaluated: 2022-03-11. Review status: criteria provided, single submitter. Criteria: Invitae Variant Classification Sherloc (09022015). Collection method: clinical testing. Allele origin: germline.
Comment: This variant, c.115_123dup, results in the insertion of 3 amino acid(s) of the CPA1 protein (p.Val39_Glu41dup), but otherwise preserves the integrity of the reading frame. This variant is not present in population databases (gnomAD no frequency). This variant has not been reported in the literature in individuals affected with CPA1-related conditions. In summary, the available evidence is currently insufficient to determine the role of this variant in disease. Therefore, it has been classified as a Variant of Uncertain Significance.